The following is an entry in ClinVar:

ClinVar aggregate classification (germline): Conflicting classifications of pathogenicity. Review status: criteria provided, conflicting classifications (1 of 4 stars). 6 submissions from 6 submitters: Pathogenic (2); Likely pathogenic (3); Uncertain significance (1). Last evaluated 2026-03-09.

Conditions:
TCTN3-related disorder. Also called: TCTN3-related condition.
Joubert syndrome and related disorders. Identifiers: Orphanet 140874, MedGen C5679612, MONDO:0015369.
Orofacial-digital syndrome IV (OFD4). Also called: MOHR-MAJEWSKI SYNDROME; BARAITSER-BURN SYNDROME; Orofaciodigital syndrome IV; OFD SYNDROME WITH TIBIAL DEFECTS; OFD SYNDROME, BARAITSER-BURN TYPE; OFDS IV. Identifiers: Orphanet 2753, MedGen C0406727, MONDO:0009794, OMIM 258860.
Joubert syndrome 18 (JBTS18). Identifiers: Orphanet 2754, MedGen C3553758, MONDO:0013896, OMIM 614815.

Allele frequency attached by ClinVar (database versions not stated): TOPMed 0.00009; ExAC 0.00010; gnomAD 0.00011; ESP Exome Variant Server 0.00066.

Submissions (6):

GeneDx
Classification: Uncertain significance. Last evaluated: 2026-03-09. Review status: criteria provided, single submitter. Criteria: GeneDx Variant Classification Process June 2021. Collection method: clinical testing. Allele origin: germline.
Comment: Initiation codon variant in a gene for which loss of function is a known mechanism of disease; Has not been previously published as pathogenic or benign to our knowledge

Labcorp Genetics (formerly Invitae), Labcorp
Classification: Pathogenic for Joubert syndrome 18; Orofacial-digital syndrome IV. Last evaluated: 2025-04-17. Review status: criteria provided, single submitter. Criteria: Invitae Variant Classification Sherloc (09022015). Collection method: clinical testing. Allele origin: germline.
Comment: This sequence change affects the initiator methionine of the TCTN3 mRNA. The next in-frame methionine is located at codon 152. This variant is present in population databases (rs373479905, gnomAD 0.02%). Disruption of the initiator codon has been observed in individual(s) with clinical features of Joubert syndrome (internal data). In at least one individual the data is consistent with being in trans (on the opposite chromosome) from a pathogenic variant. ClinVar contains an entry for this variant (Variation ID: 1453812). For these reasons, this variant has been classified as Pathogenic.

Blueprint Genetics
Classification: Likely pathogenic for TCTN3-related disorders. Last evaluated: 2024-09-17. Review status: criteria provided, single submitter. Criteria: ACMG Guidelines, 2015. Collection method: clinical testing. Allele origin: germline. Affected: yes. Observed: 5 variant alleles.

Fulgent Genetics
Classification: Pathogenic for Orofacial-digital syndrome IV; Joubert syndrome 18. Last evaluated: 2024-03-12. Review status: criteria provided, single submitter. Criteria: ACMG Guidelines, 2015. Collection method: clinical testing. Allele origin: germline.

PreventionGenetics, part of Exact Sciences
Classification: Likely pathogenic for TCTN3-related condition. Last evaluated: 2023-08-24. Review status: criteria provided, single submitter. Criteria: ACMG Guidelines, 2015. Collection method: clinical testing. Allele origin: germline.
Comment: The TCTN3 c.2T>G variant is predicted to disrupt the translation initiation site (Start loss). To our knowledge, this variant has not been reported in the literature. A different substitution resulting in loss of the translation start codon (p.Met1Ile) has been reported in the homozygous and compound heterozygous states in individuals with Joubert syndrome (Table S5, Bachmann-Gagescu. 2015. PubMed ID: 26092869; Huljev Frković. 2022. PubMed ID: 35170189). This variant is reported in 0.019% of alleles in individuals of European (Non-Finnish) descent in gnomAD. This variant is interpreted as likely pathogenic.

Women's Health and Genetics/Laboratory Corporation of America, LabCorp
Classification: Likely pathogenic for Joubert syndrome and related disorders. Last evaluated: 2023-07-25. Review status: criteria provided, single submitter. Criteria: LabCorp Variant Classification Summary - May 2015. Collection method: clinical testing. Allele origin: germline.
Comment: Variant summary: TCTN3 c.2T>G (p.Met1?, aka p.Met1Arg) alters the initiation codon and is predicted to result either in absence of the protein or truncation of the encoded protein due to translation initiation at a downstream codon. The first potential downstream in-frame start codon (ATG) is located in exon 3 at Met152. The variant allele was found at a frequency of 7.1e-05 in 155494 control chromosomes (gnomAD). This frequency is not higher than the estimated maximum expected for a pathogenic variant in TCTN3 causing Joubert Syndrome and Related Disorders (0.0004), allowing no conclusion about variant significance. To our knowledge, no occurrence of c.2T>G in individuals affected with Joubert Syndrome and Related Disorders and no experimental evidence demonstrating its impact on protein function have been reported. However, a different start-loss variant (c.3G>A) has been reported in affected individuals (PMIDs: 26092869, 35170189). One submitter has cited clinical-significance assessments for this variant to ClinVar after 2014 and has classified the variant as pathogenic. Based on the evidence outlined above, the variant was classified as likely pathogenic.

NM_015631.6(TCTN3):c.2T>G (p.Met1Arg)

Genes: TCTN3 (tectonic family member 3; minus strand), LOC130004408 (ATAC-STARR-seq lymphoblastoid active region 3801; plus strand). Cytogenetic location: 10q24.1.
Variant type: single nucleotide variant.
Coding change: c.2T>G on transcript NM_015631.6 (MANE Select); coding-DNA position 2, T replaced by G.
Protein change: p.Met1Arg; changes the start codon (methionine 1).
Molecular consequence: missense variant, initiator codon variant.
Genome position (GRCh38, 1-based): chr10:95,693,898, A>C on the plus strand (T>G on the coding strand, the complement: TCTN3 is on the minus strand). VCF-style: chr10-95693898-A-C. GRCh37 (hg19) VCF-style: chr10-97453655-A-C.
Other names: c.2T>G (NM_015631.5); c.2T>G, p.Met1Arg (NM_001143973.2); short protein forms M1R.
Identifiers: ClinVar variation 1453812 (VCV001453812.10), dbSNP rs373479905, ClinGen allele CA5621211.